The following is an entry in ClinVar:

ClinVar aggregate classification (germline): Uncertain significance (1 of 4 stars; one submission).

Conditions:
Hereditary factor IX deficiency disease (HEMB). Also called: F9 DEFICIENCY; FACTOR IX DEFICIENCY; PLASMA THROMBOPLASTIN COMPONENT DEFICIENCY; Christmas Disease; Hemophilia B. Identifiers: Orphanet 98879, MedGen C0008533, MeSH D002836, MONDO:0010604, OMIM 306900.
Thrombophilia, X-linked, due to factor 9 defect. Identifiers: MedGen C2749016, MONDO:0010432, OMIM 300807.

Submission:

Labcorp Genetics (formerly Invitae), Labcorp
Classification: Uncertain significance for Thrombophilia, X-linked, due to factor 9 defect; Hereditary factor IX deficiency disease. Last evaluated: 2023-12-06. Review status: criteria provided, single submitter. Criteria: Invitae Variant Classification Sherloc (09022015). Collection method: clinical testing. Allele origin: germline.
Comment: This sequence change replaces arginine, which is basic and polar, with threonine, which is neutral and polar, at codon 358 of the F9 protein (p.Arg358Thr). This variant is not present in population databases (gnomAD no frequency). This variant has not been reported in the literature in individuals affected with F9-related conditions. Advanced modeling of protein sequence and biophysical properties (such as structural, functional, and spatial information, amino acid conservation, physicochemical variation, residue mobility, and thermodynamic stability) performed at Invitae indicates that this missense variant is not expected to disrupt F9 protein function with a negative predictive value of 80%. In summary, the available evidence is currently insufficient to determine the role of this variant in disease. Therefore, it has been classified as a Variant of Uncertain Significance.

NM_000133.4(F9):c.1073G>C (p.Arg358Thr)

Gene: F9 (coagulation factor IX; plus strand). Cytogenetic location: Xq27.1.
Variant type: single nucleotide variant.
Coding change: c.1073G>C on transcript NM_000133.4 (MANE Select); coding-DNA position 1073, G replaced by C.
Protein change: p.Arg358Thr; replaces arginine 358 with threonine.
Molecular consequence: missense variant.
Genome position (GRCh38, 1-based): chrX:139,561,758, G>C. VCF-style: chrX-139561758-G-C. GRCh37 (hg19) VCF-style: chrX-138643917-G-C.
Other names: c.959G>C, p.Arg320Thr (NM_001313913.2); short protein forms R320T, R358T.
Identifiers: ClinVar variation 2946771 (VCV002946771.3), dbSNP rs2520845445, ClinGen allele CA414445727.